The following is an entry in ClinVar:

ClinVar aggregate classification (germline): Pathogenic/Likely pathogenic. Review status: criteria provided, multiple submitters, no conflicts (2 of 4 stars). 3 submissions from 3 submitters: Pathogenic (2); Likely pathogenic (1). Last evaluated 2024-10-10.

Conditions:
Poirier-Bienvenu neurodevelopmental syndrome (POBINDS). Identifiers: Orphanet 689397, MedGen C5231482, MONDO:0032889, OMIM 618732.

Allele frequency attached by ClinVar (database versions not stated): TOPMed below 0.00001.

Submissions (3):

Victorian Clinical Genetics Services, Murdoch Childrens Research Institute
Classification: Pathogenic for Poirier-Bienvenu neurodevelopmental syndrome. Last evaluated: 2024-10-10. Review status: criteria provided, single submitter. Criteria: ACMG Guidelines, 2015. Collection method: clinical testing. Allele origin: germline. Inheritance: Autosomal dominant inheritance. Affected: yes.
Comment: Based on the classification scheme VCGS_Germline_v1.3.5, this variant is classified as Pathogenic. Following criteria are met: 0102 - Loss of function is a known mechanism of disease in this gene and is associated with Poirier-Bienvenu neurodevelopmental syndrome (MIM#618732). Dominant negative is a suggested mechanism for missense variants (PMID: 35571680). (I) 0107 - This gene is associated with autosomal dominant disease. (I) 0211 - Canonical splice site variant without proven consequence on splicing (no functional evidence available). (SP) 0251 - This variant is heterozygous. (I) 0301 - Variant is absent from gnomAD (v2, v3 and v4). (SP) 0505 - Abnormal splicing is predicted by in silico tools and affected nucleotide is highly conserved. (SP) 0702 - Other splice site variants comparable to the one identified in this case have strong previous evidence for pathogenicity. Canonical splice variants c.292-2A>T, c.292-2A>C and c.292-1G>A, have been reported as de novo in unrelated individuals affected with Poirier-Bienvenu neurodevelopmental syndrome (PMIDs: 34370157, 35774559, ClinVar) . (SP) 0803 - This variant has limited previous evidence of pathogenicity in unrelated individual. It has been reported as likely pathogenic and pathogenic by clinical laboratories (ClinVar). (SP) 0905 - No published segregation evidence has been identified for this variant. (I) 1007 - No published functional evidence has been identified for this variant. (SP) Legend: (SP) - Supporting pathogenic, (I) - Information, (SB) - Supporting benign

Greenwood Genetic Center Diagnostic Laboratories, Greenwood Genetic Center
Classification: Pathogenic for Poirier-Bienvenu neurodevelopmental syndrome. Last evaluated: 2021-12-29. Review status: criteria provided, single submitter. Criteria: ACMG Guidelines, 2015. Collection method: clinical testing. Allele origin: germline. Affected: yes.
Comment: PVS1, PS2, PM2

3billion
Classification: Likely pathogenic for Poirier-Bienvenu neurodevelopmental syndrome. Last evaluated: 2021-10-02. Review status: criteria provided, single submitter. Criteria: ACMG Guidelines, 2015. Collection method: clinical testing. Allele origin: unknown. Affected: yes. Observed: 1 heterozygote.
Comment: Canonical splice site: predicted to alter splicing and result in a loss or disruption of normal protein function through nonsense-mediated decay (NMD) or protein truncation. Multiple pathogenic variants are reported downstream of the variant (PVS1_VS). It is not observed in the gnomAD v2.1.1 dataset (PM2). Therefore, this variant is classified as likely pathogenic according to the recommendation of ACMG/AMP guideline.

Literature cited by the submitters: PubMed 34370157 (cited by Victorian Clinical Genetics Services, Murdoch Childrens Research Institute); PubMed 35571680 (cited by Victorian Clinical Genetics Services, Murdoch Childrens Research Institute); PubMed 35774559 (cited by Victorian Clinical Genetics Services, Murdoch Childrens Research Institute).

NM_001320.7(CSNK2B):c.292-2A>G

Gene: CSNK2B (casein kinase 2 beta; plus strand). Cytogenetic location: 6p21.33.
Variant type: single nucleotide variant.
Coding change: c.292-2A>G on transcript NM_001320.7 (MANE Select); the canonical splice acceptor site of the intron before coding-DNA position 292, A replaced by G.
Molecular consequence: splice acceptor variant.
Genome position (GRCh38, 1-based): chr6:31,669,095, A>G. VCF-style: chr6-31669095-A-G. GRCh37 (hg19) VCF-style: chr6-31636872-A-G.
Other names: c.292-2A>G (NM_001282385.2).
Identifiers: ClinVar variation 1320215 (VCV001320215.6), dbSNP rs1802000298, ClinGen allele CA363474306.
Genomic context (GRCh38, chr6:31,669,095, plus strand): 5'-GCGAAGGGAGTTGCCTCTTCTTTACATCTACCTGCCAACCCCTTCCATTGTATTCACCTC[A>G]GTTGGAAAAGTACCAGCAAGGAGACTTTGGTTACTGTCCTCGTGTGTACTGTGAGAACCA-3'